The following is an entry in ClinVar:

NM_003537.4(H3C2):c.15A>G (p.Lys5=)

Genes: H3C2 (H3 clustered histone 2; minus strand), LOC129996007 (ATAC-STARR-seq lymphoblastoid active region 24180; plus strand). Cytogenetic location: 6p22.2.
Variant type: single nucleotide variant.
Coding change: c.15A>G on transcript NM_003537.4 (MANE Select); coding-DNA position 15, A replaced by G.
Protein change: p.Lys5=; no amino-acid change (lysine 5 retained).
Molecular consequence: synonymous variant.
Genome position (GRCh38, 1-based): chr6:26,032,046, T>C on the plus strand (A>G on the coding strand, the complement: H3C2 is on the minus strand). VCF-style: chr6-26032046-T-C. GRCh37 (hg19) VCF-style: chr6-26032274-T-C.
Identifiers: ClinVar variation 4872061 (VCV004872061.2).
Genomic context (GRCh38, chr6:26,032,046, plus strand): 5'-AGCCTTGGTAGCCAGCTGCTTGCGTGGCGCTTTACCGCCGGTGGATTTCCGAGCTGTCTG[T>C]TTAGTACGAGCCATGGCAAAACCACAGAAAAGCTTGCCTGCAGAGACGTCTGTGGAGGAA-3'
Protein context (NP_003528.1, residues 1-15): MART[Lys5=]QTARKSTGGK

ClinVar aggregate classification (germline): Likely benign (1 of 4 stars; one submission).

Submission:

CeGaT Center for Human Genetics Tuebingen
Classification: Likely benign. Last evaluated: 2026-05-01. Review status: criteria provided, single submitter. Criteria: CeGaT Center For Human Genetics Tuebingen Variant Classification Criteria Version 2. Collection method: clinical testing. Allele origin: germline. Affected: yes. Observed: 1 variant allele.
Comment: H3C2: BP4, BS2